The following is an entry in ClinVar:

NM_004336.5(BUB1):c.226G>A (p.Ala76Thr)

Gene: BUB1 (BUB1 mitotic checkpoint serine/threonine kinase; minus strand). Cytogenetic location: 2q13.
Variant type: single nucleotide variant.
Coding change: c.226G>A on transcript NM_004336.5 (MANE Select); coding-DNA position 226, G replaced by A.
Protein change: p.Ala76Thr; replaces alanine 76 with threonine.
Molecular consequence: missense variant.
Genome position (GRCh38, 1-based): chr2:110,672,857, C>T on the plus strand (G>A on the coding strand, the complement: BUB1 is on the minus strand). VCF-style: chr2-110672857-C-T. GRCh37 (hg19) VCF-style: chr2-111430434-C-T.
Other names: c.166G>A, p.Ala56Thr (NM_001278616.2); c.226G>A, p.Ala76Thr (NM_001278617.2); short protein forms A76T, A56T.
Identifiers: ClinVar variation 1788763 (VCV001788763.3), dbSNP rs767955240, ClinGen allele CA1828404.

ClinVar aggregate classification (germline): Uncertain significance (1 of 4 stars; one submission).

Allele frequency attached by ClinVar (database versions not stated): gnomAD exomes 0.00001; ExAC 0.00002.

Submission:

Ambry Genetics
Classification: Uncertain significance. Last evaluated: 2022-04-19. Review status: criteria provided, single submitter. Criteria: Ambry Variant Classification Scheme 2023. Collection method: clinical testing. Allele origin: germline.
Comment: The p.A76T variant (also known as c.226G>A) is located in coding exon 4 of the BUB1 gene. The alanine at codon 76 is replaced by threonine, an amino acid with similar properties. This change occurs in the first base pair of coding exon 4. This amino acid position is conserved. In addition, this alteration is predicted to be deleterious by in silico analysis. Since supporting evidence is limited at this time, the clinical significance of this alteration remains unclear.